The following is an entry in ClinVar:

NM_000260.4(MYO7A):c.3630+7A>G

Gene: MYO7A (myosin VIIA; plus strand). Cytogenetic location: 11q13.5.
Variant type: single nucleotide variant.
Coding change: c.3630+7A>G on transcript NM_000260.4 (MANE Select); 7 bases into the intron after coding-DNA position 3630, A replaced by G.
Molecular consequence: intron variant.
Genome position (GRCh38, 1-based): chr11:77,189,477, A>G. VCF-style: chr11-77189477-A-G. GRCh37 (hg19) VCF-style: chr11-76900522-A-G.
Other names: c.3597+7A>G (NM_001369365.1); c.3630+7A>G (NM_001127180.2).
Identifiers: ClinVar variation 504647 (VCV000504647.15), dbSNP rs373958166, ClinGen allele CA6198130.

ClinVar aggregate classification (germline): Likely benign. Review status: criteria provided, multiple submitters, no conflicts (2 of 4 stars). 4 submissions from 4 submitters: Likely benign (3). 1 of the submissions does not count toward it. Last evaluated 2025-12-19.

Conditions:
MYO7A-related disorder. Also called: MYO7A-related disorders.

Allele frequency attached by ClinVar (database versions not stated): gnomAD exomes 0.00001 and 0.00003; ExAC 0.00004; ESP Exome Variant Server 0.00008; gnomAD 0.00012 and 0.00015; TOPMed 0.00017.
gnomAD v4.1: 41 of 1,613,612 alleles (0.0025%); highest among the groups gnomAD compares: African/African-American, 0.044%; no homozygotes.

Submissions (4):

Labcorp Genetics (formerly Invitae), Labcorp
Classification: Likely benign. Last evaluated: 2025-12-19. Review status: criteria provided, single submitter. Criteria: Invitae Variant Classification Sherloc (09022015). Collection method: clinical testing. Allele origin: germline.

Blueprint Genetics
Classification: Likely benign. Last evaluated: 2022-09-02. Review status: criteria provided, single submitter. Criteria: ACMG Guidelines, 2015. Collection method: clinical testing. Allele origin: germline.

Laboratory for Molecular Medicine, Mass General Brigham Personalized Medicine
Classification: Likely benign. Last evaluated: 2017-01-17. Review status: criteria provided, single submitter. Criteria: LMM Criteria. Collection method: clinical testing. Allele origin: germline. Observed: 1 variant allele.
Comment: c.3630+7A>G in Intron 28 of MYO7A: This variant is not expected to have clinical significance because it is not located within the conserved splice consensus se quence. This variant has been identified in 4/9788 African chromosomes by the Ex ome Aggregation Consortium (ExAC; dbSNP rs373958 166).

PreventionGenetics, part of Exact Sciences
Classification: Likely benign for MYO7A-related condition. Last evaluated: 2019-08-28. Review status: no assertion criteria provided. Collection method: clinical testing. Allele origin: germline. Not counted in ClinVar's aggregate classification.
Comment: This variant is classified as likely benign based on ACMG/AMP sequence variant interpretation guidelines (Richards et al. 2015 PMID: 25741868, with internal and published modifications).